The following is an entry in ClinVar:

NM_001291303.3(FAT4):c.5003T>C (p.Val1668Ala)

Gene: FAT4 (FAT atypical cadherin 4; plus strand). Cytogenetic location: 4q28.1.
Variant type: single nucleotide variant.
Coding change: c.5003T>C on transcript NM_001291303.3 (MANE Select); coding-DNA position 5003, T replaced by C.
Protein change: p.Val1668Ala; replaces valine 1668 with alanine.
Molecular consequence: missense variant. On other transcripts: intron variant (1).
Genome position (GRCh38, 1-based): chr4:125,321,414, T>C. VCF-style: chr4-125321414-T-C. GRCh37 (hg19) VCF-style: chr4-126242569-T-C.
Other names: c.5003T>C, p.Val1668Ala (NM_001291285.3, NM_001438396.1, NM_001438397.1 and 1 more transcripts); c.-55+5437T>C (NM_001437895.1); short protein forms V1668A.
Identifiers: ClinVar variation 4999174 (VCV004999174.1).

ClinVar aggregate classification (germline): Uncertain significance (1 of 4 stars; one submission).

Conditions:
FAT4-related disorder. Also called: FAT4-related condition.

Submission:

PreventionGenetics, part of Exact Sciences
Classification: Uncertain significance for FAT4-related condition. Last evaluated: 2025-02-03. Review status: criteria provided, single submitter. Criteria: ACMG Guidelines, 2015. Collection method: clinical testing. Allele origin: germline.
Comment: The FAT4 c.5003T>C variant is predicted to result in the amino acid substitution p.Val1668Ala. To our knowledge, this variant has not been reported in the literature or in a large population database (gnomAD), indicating this variant is rare. At this time, the clinical significance of this variant is uncertain due to the absence of conclusive functional and genetic evidence.